The following is an entry in ClinVar:

ClinVar aggregate classification (germline): Conflicting classifications of pathogenicity. Review status: criteria provided, conflicting classifications (1 of 4 stars). 16 submissions from 16 submitters: Uncertain significance (12); Likely benign (4). Last evaluated 2026-07-30.

Conditions:
Classic or attenuated familial adenomatous polyposis. Identifiers: MedGen CN372698, MONDO:0021057.
APC-related disorder. Also called: APC-related condition.
Hereditary cancer-predisposing syndrome. Also called: Neoplastic Syndromes, Hereditary; Hereditary Cancer Syndrome; Tumor predisposition; Hereditary neoplastic syndrome. Identifiers: Orphanet 140162, MedGen C0027672, MeSH D009386, MONDO:0015356.
Familial adenomatous polyposis 1 (FAP1). Also called: POLYPOSIS, ADENOMATOUS INTESTINAL; FAMILIAL ADENOMATOUS POLYPOSIS 1, ATTENUATED. Identifiers: MedGen C2713442, MONDO:0021056, OMIM 175100. Disease mechanism: loss of function.

Allele frequency attached by ClinVar (database versions not stated): ExAC 0.00002; gnomAD 0.00002; 1000 Genomes Project 30x 0.00016; 1000 Genomes Project 0.00020; gnomAD exomes 0.00003 and 0.00008; TOPMed 0.00003.
gnomAD v4.1: 120 of 1,613,296 alleles (0.0074%); highest among the groups gnomAD compares: Non-Finnish European, 0.0096%; no homozygotes.

Submissions 1 to 10 of 16:

PreventionGenetics, part of Exact Sciences
Classification: Uncertain significance for APC-related condition. Last evaluated: 2026-07-30. Review status: criteria provided, single submitter. Criteria: ACMG Guidelines, 2015. Collection method: clinical testing. Allele origin: germline.
Comment: The APC c.1589T>C variant is predicted to result in the amino acid substitution p.Val530Ala. This variant has been observed and reported as a variant of uncertain significance in individuals with multiple colorectal adenomas (Urso et al. 2012. PubMed ID: 22773231), colorectal cancer (Yurgelun et al. 2017. PubMed ID: 28135145), and familial adenomatous polyposis (Kerr et al. 2012. PubMed ID: 23159591). This variant has also been observed in two unrelated individuals with a family history of breast and/or ovarian cancer (Supplemental Table 5, Tsaousis et al. 2019. PubMed ID: 31159747). This variant is reported in 0.0062% of alleles in individuals of European (Non-Finnish) descent in gnomAD and has conflicting interpretations of pathogenicity in ClinVar of uncertain significance and likely benign (Variation ID: 219535). At this time, the clinical significance of this variant is uncertain due to the absence of conclusive functional and genetic evidence.

Women's Health and Genetics/Laboratory Corporation of America, LabCorp
Classification: Likely benign. Last evaluated: 2026-04-09. Review status: criteria provided, single submitter. Criteria: LabCorp Variant Classification Summary - May 2015. Collection method: clinical testing. Allele origin: germline.
Comment: Variant summary: APC c.1589T>C (p.Val530Ala) results in a non-conservative amino acid change located in the armadillo repeat of the encoded protein sequence. Algorithms developed to predict the effect of missense changes on protein structure and function all suggest that this variant is likely to be disruptive. The variant allele was found at a frequency of 7.4e-05 in 1613296 control chromosomes, predominantly at a frequency of 9.6e-05 within the Non-Finnish European subpopulation in the gnomAD v4 database. The observed variant frequency within Non-Finnish European control individuals in the gnomAD database exceeds the estimated maximal expected allele frequency for disease-causing variants in APC. c.1589T>C has been reported in the literature in individuals affected with Familial Adenomatous Polyposis (FAP) (Kerr 2013), attenuated FAP (AFAP) (deLeon 2013, Urso 2012) and Colorectal Cancer (Yurgelun 2017). These reports do not provide unequivocal conclusions about association of the variant with Familial Adenomatous Polyposis. To our knowledge, no experimental evidence demonstrating an impact on protein function has been reported. The following publications have been ascertained in the context of this evaluation (PMID: 23159591, 22773231, 28135145, 22976915). ClinVar contains an entry for this variant (Variation ID: 219535). Based on the evidence outlined above, the variant was classified as likely benign.

Labcorp Genetics (formerly Invitae), Labcorp
Classification: Likely benign for Familial adenomatous polyposis 1. Last evaluated: 2026-02-03. Review status: criteria provided, single submitter. Criteria: Invitae Variant Classification Sherloc (09022015). Collection method: clinical testing. Allele origin: germline.

Center for Genomic Medicine, Rigshospitalet, Copenhagen University Hospital
Classification: Likely benign. Last evaluated: 2025-12-29. Review status: criteria provided, single submitter. Criteria: ACMG Guidelines, 2015. Collection method: clinical testing. Allele origin: germline.
Comment: Classification criteria: BS1

Quest Diagnostics Nichols Institute San Juan Capistrano
Classification: Uncertain significance. Last evaluated: 2025-07-29. Review status: criteria provided, single submitter. Criteria: Quest Diagnostics criteria. Collection method: clinical testing. Allele origin: unknown.
Comment: The APC c.1589T>C (p.Val530Ala) variant has been reported in the published literature in individuals affected with familial adenomatous polyposis (FAP) (PMID: 22976915 (2013), 23159591 (2013)), hyperparathyroidism (PMID: 31486992 (2020)), colorectal cancer (PMID: 28135145 (2017)), and colorectal adenomas (PMID: 22773231 (2013)). This variant has also been reported along with bi-allelic PMS2 variants in a proband with colorectal cancer and a lymphoblastic lymphoma (PMID: 36360190 (2022)). The frequency of this variant in the general population (Genome Aggregation Database) is higher than would generally be expected for pathogenic variants in this gene. Analysis of this variant using bioinformatics tools for the prediction of the effect of amino acid changes on protein structure and function yielded predictions that this variant is damaging. Based on the available information, we are unable to determine the clinical significance of this variant.

All of Us Research Program, National Institutes of Health
Classification: Uncertain significance for Classic or attenuated familial adenomatous polyposis. Last evaluated: 2024-06-17. Review status: criteria provided, single submitter. Criteria: ACMG Guidelines, 2015. Collection method: clinical testing. Allele origin: germline. Inheritance: Autosomal dominant inheritance. Observed: 22 variant alleles, 22 heterozygotes.
Comment: This missense variant replaces valine with alanine at codon 530 of the APC protein. Computational prediction suggests that this variant may have deleterious impact on protein structure and function (internally defined REVEL score threshold >= 0.7, PMID: 27666373). Splice site prediction tools suggest that this variant may not impact RNA splicing. To our knowledge, functional studies have not been performed for this variant. This variant has been observed in individuals affected with colorectal adenomas (PMID: 22773231, Cetani 2017), familial adenomatous polyposis (PMID: 23159591), attenuated adenomatous polyposis (PMID: 22976915) or colorectal cancer (PMID: 28135145). This variant has been identified in 8/250846 chromosomes in the general population by the Genome Aggregation Database (gnomAD). The available evidence is insufficient to determine the role of this variant in disease conclusively. Therefore, this variant is classified as a Variant of Uncertain Significance.

This study involves interpretation of variants in research participants for the purpose of population health screening. Participant phenotype was not available at the time of variant classification. Additional details can be found in publication PMID: 35346344, PMCID: PMC8962531

CeGaT Center for Human Genetics Tuebingen
Classification: Uncertain significance. Last evaluated: 2024-05-01. Review status: criteria provided, single submitter. Criteria: CeGaT Center For Human Genetics Tuebingen Variant Classification Criteria Version 2. Collection method: clinical testing. Allele origin: germline. Affected: yes. Observed: 1 variant allele.
Comment: APC: PM2, PS4:Moderate, PP3, BP1

Color Diagnostics, LLC DBA Color Health
Classification: Uncertain significance for Hereditary cancer-predisposing syndrome. Last evaluated: 2024-04-23. Review status: criteria provided, single submitter. Criteria: ACMG Guidelines, 2015. Collection method: clinical testing. Allele origin: germline.
Comment: This missense variant replaces valine with alanine at codon 530 of the APC protein. Computational prediction suggests that this variant may have deleterious impact on protein structure and function (internally defined REVEL score threshold >= 0.7, PMID: 27666373). To our knowledge, functional studies have not been performed for this variant. This variant has been observed in individuals affected with colorectal adenomas (PMID: 22773231; doi: 10.1530/endoabs.49.EP348), familial adenomatous polyposis (PMID: 23159591), attenuated adenomatous polyposis (PMID: 22976915) or colorectal cancer (PMID: 28135145). This variant has been identified in 8/250846 chromosomes in the general population by the Genome Aggregation Database (gnomAD). The available evidence is insufficient to determine the role of this variant in disease conclusively. Therefore, this variant is classified as a Variant of Uncertain Significance.

GeneDx
Classification: Uncertain significance. Last evaluated: 2024-01-18. Review status: criteria provided, single submitter. Criteria: GeneDx Variant Classification Process June 2021. Collection method: clinical testing. Allele origin: germline. Affected: yes.
Comment: In silico analysis supports that this missense variant has a deleterious effect on protein structure/function; Observed in at least two individuals with multiple colorectal adenomas or polyposis, an individual being evaluated for Familial Adenomatous Polyposis (FAP), and an individual with colorectal cancer (PMID: 22976915, 23159591, 22773231, 28135145); Co-observed with biallelic pathogenic PMS2 variants in an individual with adenomas and multiple small intestinal and colorectal cancers (PMID: 36360190); This variant is associated with the following publications: (PMID: 22976915, 23159591, 22773231, 28135145, 31159747, 31486992, 18199528, 36360190)

Baylor Genetics
Classification: Uncertain significance for Familial adenomatous polyposis 1. Last evaluated: 2023-10-17. Review status: criteria provided, single submitter. Criteria: ACMG Guidelines, 2015. Collection method: clinical testing. Allele origin: unknown.

NM_000038.6(APC):c.1589T>C (p.Val530Ala)

Gene: APC (APC regulator of Wnt signaling pathway; plus strand). Cytogenetic location: 5q22.2.
Variant type: single nucleotide variant.
Coding change: c.1589T>C on transcript NM_000038.6 (MANE Select); coding-DNA position 1589, T replaced by C.
Protein change: p.Val530Ala; replaces valine 530 with alanine.
Molecular consequence: missense variant.
Genome position (GRCh38, 1-based): chr5:112,827,969, T>C. VCF-style: chr5-112827969-T-C. GRCh37 (hg19) VCF-style: chr5-112163666-T-C.
Other names: c.1589T>C, p.Val530Ala (NM_001127510.3, NM_001354895.2); c.1535T>C, p.Val512Ala (NM_001127511.3); c.1643T>C, p.Val548Ala (NM_001354896.2); c.1619T>C, p.Val540Ala (NM_001354897.2); c.1514T>C, p.Val505Ala (NM_001354898.2); c.1505T>C, p.Val502Ala (NM_001354899.2); c.1466T>C, p.Val489Ala (NM_001354900.2); c.1412T>C, p.Val471Ala (NM_001354901.2); and 5 more; short protein forms V512A, V530A, V247A, V404A, V429A, V439A, V471A, V548A.
Identifiers: ClinVar variation 219535 (VCV000219535.60), dbSNP rs202199891, ClinGen allele CA028518.